The following is an entry in ClinVar:

ClinVar aggregate classification (germline): Uncertain significance. Review status: criteria provided, multiple submitters, no conflicts (2 of 4 stars). 2 submissions from 2 submitters: Uncertain significance (2). Last evaluated 2025-12-31.

Conditions:
Hereditary cancer-predisposing syndrome. Also called: Tumor predisposition; Neoplastic Syndromes, Hereditary; Hereditary neoplastic syndrome; Hereditary Cancer Syndrome. Identifiers: Orphanet 140162, MedGen C0027672, MeSH D009386, MONDO:0015356.

gnomAD v4.1: 1 of 1,613,614 alleles (0.000062%); highest among the groups gnomAD compares: East Asian, 0.0022%; no homozygotes.

Submissions (2):

Labcorp Genetics (formerly Invitae), Labcorp
Classification: Uncertain significance. Last evaluated: 2025-12-31. Review status: criteria provided, single submitter. Criteria: Invitae Variant Classification Sherloc (09022015). Collection method: clinical testing. Allele origin: germline.
Comment: This sequence change replaces glutamic acid, which is acidic and polar, with lysine, which is basic and polar, at codon 691 of the MSH3 protein (p.Glu691Lys). This variant is present in population databases (no rsID available, gnomAD 0.006%). This variant has not been reported in the literature in individuals affected with MSH3-related conditions. ClinVar contains an entry for this variant (Variation ID: 1017885). An algorithm developed to predict the effect of missense changes on protein structure and function (PolyPhen-2) suggests that this variant is likely to be tolerated. In summary, the available evidence is currently insufficient to determine the role of this variant in disease. Therefore, it has been classified as a Variant of Uncertain Significance.

Ambry Genetics
Classification: Uncertain significance for Hereditary cancer-predisposing syndrome. Last evaluated: 2024-04-12. Review status: criteria provided, single submitter. Criteria: Ambry Variant Classification Scheme 2023. Collection method: clinical testing. Allele origin: germline.
Comment: The p.E691K variant (also known as c.2071G>A), located in coding exon 14 of the MSH3 gene, results from a G to A substitution at nucleotide position 2071. The glutamic acid at codon 691 is replaced by lysine, an amino acid with similar properties. This amino acid position is highly conserved in available vertebrate species. In addition, the in silico prediction for this alteration is inconclusive. Based on the available evidence, the clinical significance of this variant remains unclear.

NM_002439.5(MSH3):c.2071G>A (p.Glu691Lys)

Gene: MSH3 (mutS homolog 3; plus strand). Cytogenetic location: 5q14.1.
Variant type: single nucleotide variant.
Coding change: c.2071G>A on transcript NM_002439.5 (MANE Select); coding-DNA position 2071, G replaced by A.
Protein change: p.Glu691Lys; replaces glutamic acid 691 with lysine.
Molecular consequence: missense variant.
Genome position (GRCh38, 1-based): chr5:80,768,107, G>A. VCF-style: chr5-80768107-G-A. GRCh37 (hg19) VCF-style: chr5-80063926-G-A.
Other names: c.2071G>A (NM_002439.3); short protein forms E691K.
Identifiers: ClinVar variation 1017885 (VCV001017885.9), dbSNP rs761077637, ClinGen allele CA360277967.
Genomic context (GRCh38, chr5:80,768,107, plus strand): 5'-GTTATTTTAGAAATTCCTGAACTCCTCAGTCCAGTGGAGCATTACTTAAAGATACTCAAT[G>A]AACAAGCTGCCAAGTAAGTACCAGACCCTGAATTCTTCCTTTTCACCAGTCAGTATAATT-3'
Protein context (NP_002430.3, residues 681-701): PVEHYLKILN[Glu691Lys]QAAKVGDKTE